The following is an entry in ClinVar:

ClinVar aggregate classification (germline): Uncertain significance. Review status: criteria provided, multiple submitters, no conflicts (2 of 4 stars). 2 submissions from 2 submitters: Uncertain significance (2). Last evaluated 2025-06-07.

Conditions:
Hereditary spastic paraplegia 7 (SPG7). Also called: Autosomal recessive spastic paraplegia type 7; SPG7-related neurologic disorder; SPASTIC PARAPLEGIA 7, AUTOSOMAL RECESSIVE, WITH OR WITHOUT CEREBELLAR ATAXIA; Spastic paraplegia 7; Hereditary spastic paraplegia Paraplegin type. Identifiers: Orphanet 99013, MedGen C1846564, MONDO:0011803, OMIM 607259.
Inborn genetic diseases. Identifiers: MedGen C0950123, MeSH D030342.

Allele frequency attached by ClinVar (database versions not stated): ExAC 0.00001; gnomAD 0.00001; gnomAD exomes 0.00001; TOPMed 0.00002.
gnomAD v4.1: 22 of 1,613,626 alleles (0.0014%); highest among the groups gnomAD compares: South Asian, 0.0044%; no homozygotes.

Submissions (2):

Ambry Genetics
Classification: Uncertain significance for Inborn genetic diseases. Last evaluated: 2025-06-07. Review status: criteria provided, single submitter. Criteria: Ambry Variant Classification Scheme 2023. Collection method: clinical testing. Allele origin: germline.

Labcorp Genetics (formerly Invitae), Labcorp
Classification: Uncertain significance for Hereditary spastic paraplegia 7. Last evaluated: 2022-05-17. Review status: criteria provided, single submitter. Criteria: Invitae Variant Classification Sherloc (09022015). Collection method: clinical testing. Allele origin: germline.
Comment: This variant has not been reported in the literature in individuals affected with SPG7-related conditions. In summary, the available evidence is currently insufficient to determine the role of this variant in disease. Therefore, it has been classified as a Variant of Uncertain Significance. Advanced modeling of protein sequence and biophysical properties (such as structural, functional, and spatial information, amino acid conservation, physicochemical variation, residue mobility, and thermodynamic stability) performed at Invitae indicates that this missense variant is expected to disrupt SPG7 protein function. This variant is present in population databases (rs779792728, gnomAD 0.003%). This sequence change replaces alanine, which is neutral and non-polar, with threonine, which is neutral and polar, at codon 412 of the SPG7 protein (p.Ala412Thr).

NM_003119.4(SPG7):c.1234G>A (p.Ala412Thr)

Gene: SPG7 (SPG7 matrix AAA peptidase subunit, paraplegin; plus strand). Cytogenetic location: 16q24.3.
Variant type: single nucleotide variant.
Coding change: c.1234G>A on transcript NM_003119.4 (MANE Select); coding-DNA position 1234, G replaced by A.
Protein change: p.Ala412Thr; replaces alanine 412 with threonine.
Molecular consequence: missense variant.
Genome position (GRCh38, 1-based): chr16:89,532,546, G>A. VCF-style: chr16-89532546-G-A. GRCh37 (hg19) VCF-style: chr16-89598954-G-A.
Other names: c.1234G>A, p.Ala412Thr (NM_001363850.1, NM_199367.3); c.1234G>A (NM_003119.2); short protein forms A412T.
Identifiers: ClinVar variation 1439946 (VCV001439946.8), dbSNP rs779792728, ClinGen allele CA8244004.
Genomic context (GRCh38, chr16:89,532,546, plus strand): 5'-AGCCTCTTTAAGGAAGCCCGAGCCCGGGCCCCCTGCATCGTCTACATCGATGAGATCGAC[G>A]CGGTGGGCAAGAAGCGCTCCACCACCATGTCCGGCTTCTCCAACACGGAGGAGGAGCAGA-3'
Protein context (NP_003110.1, residues 402-422): PCIVYIDEID[Ala412Thr]VGKKRSTTMS